The following is an entry in ClinVar:

NM_006421.5(ARFGEF1):c.5331G>A (p.Trp1777Ter)

Gene: ARFGEF1 (ARF guanine nucleotide exchange factor 1; minus strand). Cytogenetic location: 8q13.2.
Variant type: single nucleotide variant.
Coding change: c.5331G>A on transcript NM_006421.5 (MANE Select); coding-DNA position 5331, G replaced by A.
Protein change: p.Trp1777Ter; replaces tryptophan 1777 with a stop codon.
Molecular consequence: nonsense. On other transcripts: non-coding transcript variant (1).
Genome position (GRCh38, 1-based): chr8:67,200,450, C>T on the plus strand (G>A on the coding strand, the complement: ARFGEF1 is on the minus strand). VCF-style: chr8-67200450-C-T. GRCh37 (hg19) VCF-style: chr8-68112685-C-T.
Other names: c.5331G>A, p.Trp1777Ter (NM_001413184.1, NM_001413187.1, NM_001413194.1); c.5313G>A, p.Trp1771Ter (NM_001413185.1, NM_001413186.1, NM_001413189.1); c.4731G>A, p.Trp1577Ter (NM_001413188.1, NM_001413197.1); c.5325G>A, p.Trp1775Ter (NM_001413190.1); c.5235G>A, p.Trp1745Ter (NM_001413191.1); c.5217G>A, p.Trp1739Ter (NM_001413192.1); c.4713G>A, p.Trp1571Ter (NM_001413193.1); c.3906G>A, p.Trp1302Ter (NM_001413196.1); short protein forms W1302*, W1571*, W1577*, W1739*, W1745*, W1771*, W1775*, W1777*.
Identifiers: ClinVar variation 3364535 (VCV003364535.1).

ClinVar aggregate classification (germline): Uncertain significance (1 of 4 stars; one submission).

Submission:

GeneDx
Classification: Uncertain significance. Last evaluated: 2023-11-20. Review status: criteria provided, single submitter. Criteria: GeneDx Variant Classification Process June 2021. Collection method: clinical testing. Allele origin: germline. Affected: yes.
Comment: Not observed at significant frequency in large population cohorts (gnomAD); Nonsense variant predicted to result in protein truncation as the last 73 amino acids are lost, although loss-of-function variants have not been reported downstream of this position in the protein; Has not been previously published as pathogenic or benign to our knowledge